The following is an entry in ClinVar:

ClinVar aggregate classification (germline): Uncertain significance. Review status: criteria provided, multiple submitters, no conflicts (2 of 4 stars). 3 submissions from 3 submitters: Uncertain significance (3). Last evaluated 2026-09-10.

Conditions:
Hereditary cancer-predisposing syndrome. Also called: Neoplastic Syndromes, Hereditary; Hereditary Cancer Syndrome; Tumor predisposition; Hereditary neoplastic syndrome. Identifiers: Orphanet 140162, MedGen C0027672, MeSH D009386, MONDO:0015356.
Tuberous sclerosis syndrome (TSC). Also called: Tuberous sclerosis; Tuberous Sclerosis Complex. Identifiers: Orphanet 805, MedGen C0041341, MONDO:0001734.
Tuberous sclerosis 1 (TSC1). Identifiers: Orphanet 805, MedGen C1854465, MONDO:0008612, OMIM 191100.

gnomAD v4.1: 4 of 1,613,924 alleles (0.00025%); highest among the groups gnomAD compares: South Asian, 0.0022%; no homozygotes.

Submissions (3):

Ambry Genetics
Classification: Uncertain significance for Hereditary cancer-predisposing syndrome. Last evaluated: 2026-09-10. Review status: criteria provided, single submitter. Criteria: Ambry Variant Classification Scheme 2023. Collection method: clinical testing. Allele origin: germline.
Comment: The p.D675Y variant (also known as c.2023G>T), located in coding exon 14 of the TSC1 gene, results from a G to T substitution at nucleotide position 2023. The aspartic acid at codon 675 is replaced by tyrosine, an amino acid with highly dissimilar properties. This amino acid position is conserved. In addition, this alteration is predicted to be deleterious by in silico analysis. Based on the available evidence, the clinical significance of this variant remains unclear.

Labcorp Genetics (formerly Invitae), Labcorp
Classification: Uncertain significance for Tuberous sclerosis 1. Last evaluated: 2025-03-02. Review status: criteria provided, single submitter. Criteria: Invitae Variant Classification Sherloc (09022015). Collection method: clinical testing. Allele origin: germline.
Comment: This sequence change replaces aspartic acid, which is acidic and polar, with tyrosine, which is neutral and polar, at codon 675 of the TSC1 protein (p.Asp675Tyr). This variant is not present in population databases (gnomAD no frequency). This variant has not been reported in the literature in individuals affected with TSC1-related conditions. ClinVar contains an entry for this variant (Variation ID: 411283). Invitae Evidence Modeling of protein sequence and biophysical properties (such as structural, functional, and spatial information, amino acid conservation, physicochemical variation, residue mobility, and thermodynamic stability) has been performed for this missense variant. However, the output from this modeling did not meet the statistical confidence thresholds required to predict the impact of this variant on TSC1 protein function. In summary, the available evidence is currently insufficient to determine the role of this variant in disease. Therefore, it has been classified as a Variant of Uncertain Significance.

All of Us Research Program, National Institutes of Health
Classification: Uncertain significance for Tuberous sclerosis syndrome. Last evaluated: 2023-06-15. Review status: criteria provided, single submitter. Criteria: ACMG Guidelines, 2015. Collection method: clinical testing. Allele origin: germline. Inheritance: Autosomal dominant inheritance. Observed: 2 variant alleles, 2 heterozygotes.
Comment: This missense variant replaces aspartic acid with tyrosine at codon 675 of the TSC1 protein. Computational prediction suggests that this variant may have deleterious impact on protein structure and function (internally defined REVEL score threshold >= 0.7, PMID: 27666373). To our knowledge, functional studies have not been reported for this variant. This variant has not been reported in individuals affected with TSC1-related disorders in the literature. This variant has not been identified in the general population by the Genome Aggregation Database (gnomAD). The available evidence is insufficient to determine the role of this variant in disease conclusively. Therefore, this variant is classified as a Variant of Uncertain Significance.

This study involves interpretation of variants in research participants for the purpose of population health screening. Participant phenotype was not available at the time of variant classification. Additional details can be found in publication PMID: 35346344, PMCID: PMC8962531

NM_000368.5(TSC1):c.2023G>T (p.Asp675Tyr)

Gene: TSC1 (TSC complex subunit 1; minus strand). Cytogenetic location: 9q34.13.
Variant type: single nucleotide variant.
Coding change: c.2023G>T on transcript NM_000368.5 (MANE Select); coding-DNA position 2023, G replaced by T.
Protein change: p.Asp675Tyr; replaces aspartic acid 675 with tyrosine.
Molecular consequence: missense variant.
Genome position (GRCh38, 1-based): chr9:132,904,429, C>A on the plus strand (G>T on the coding strand, the complement: TSC1 is on the minus strand). VCF-style: chr9-132904429-C-A. GRCh37 (hg19) VCF-style: chr9-135779816-C-A.
Other names: c.2020G>T, p.Asp674Tyr (NM_001162426.2); c.1870G>T, p.Asp624Tyr (NM_001162427.2); c.1660G>T, p.Asp554Tyr (NM_001362177.2); short protein forms D675Y, D674Y, D624Y, D554Y.
Identifiers: ClinVar variation 411283 (VCV000411283.13), dbSNP rs768189353, ClinGen allele CA16612758.
Genomic context (GRCh38, chr9:132,904,429, plus strand): 5'-GAACCATGTGGGCTGGATTTGGAGCTAAAGTAACAACTTTACCTCCAAAGTGGGTCCAGT[C>A]GACAGACTTGCTGGGTAAAGGCAACCTAGGAAGAAAGTTTTTGAGTAACAAAGTTACCGA-3'
Protein context (NP_000359.1, residues 665-685): NKLPLPSKSV[Asp675Tyr]WTHFGGSPPS